The following is an entry in ClinVar:

ClinVar aggregate classification (germline): Likely benign (1 of 4 stars; one submission).

Allele frequency attached by ClinVar (database versions not stated): 1000 Genomes Project 0.00120; 1000 Genomes Project 30x 0.00125; gnomAD 0.00181; ExAC 0.00184; TOPMed 0.00218; gnomAD exomes 0.00232; ESP Exome Variant Server 0.00238.
gnomAD v4.1: 3,604 of 1,599,414 alleles (0.23%); highest among the groups gnomAD compares: Admixed American, 0.31%; 9 homozygotes.

Submission:

CeGaT Center for Human Genetics Tuebingen
Classification: Likely benign. Last evaluated: 2026-05-01. Review status: criteria provided, single submitter. Criteria: CeGaT Center For Human Genetics Tuebingen Variant Classification Criteria Version 2. Collection method: clinical testing. Allele origin: germline. Affected: yes. Observed: 7 variant alleles.
Comment: ZBTB7A: BP4, BP7, BS1

NM_015898.4(ZBTB7A):c.1257C>T (p.Phe419=)

Gene: ZBTB7A (zinc finger and BTB domain containing 7A; minus strand). Cytogenetic location: 19p13.3.
Variant type: single nucleotide variant.
Coding change: c.1257C>T on transcript NM_015898.4 (MANE Select); coding-DNA position 1257, C replaced by T.
Protein change: p.Phe419=; no amino-acid change (phenylalanine 419 retained).
Molecular consequence: synonymous variant.
Genome position (GRCh38, 1-based): chr19:4,053,976, G>A on the plus strand (C>T on the coding strand, the complement: ZBTB7A is on the minus strand). VCF-style: chr19-4053976-G-A. GRCh37 (hg19) VCF-style: chr19-4053974-G-A.
Other names: c.1257C>T, p.Phe419= (NM_001317990.2).
Identifiers: ClinVar variation 2649026 (VCV002649026.24), dbSNP rs138413340, ClinGen allele CA9090468.